The following is an entry in ClinVar:

ClinVar aggregate classification (germline): Uncertain significance. Review status: reviewed by expert panel (3 of 4 stars). 4 submissions from 4 submitters: Uncertain significance (1). 3 of the submissions do not count toward it. Last evaluated 2025-08-01.

Conditions:
Malignant hyperthermia, susceptibility to, 1 (MHS1). Also called: RYR1-Related Malignant Hyperthermia Susceptibility; Malignant hyperthermia suceptibility 1; Anesthesia related hyperthermia; Malignant hyperpyrexia; Fulminating hyperpyrexia; Pharmacogenic myopathy. Identifiers: Orphanet 423, MedGen C2930980, MONDO:0007783, OMIM 145600.

Submissions (4):

ClinGen Malignant Hyperthermia Susceptibility Variant Curation Expert Panel, ClinGen
Classification: Uncertain significance for Malignant hyperthermia, susceptibility to, 1. Last evaluated: 2025-08-01. Review status: reviewed by expert panel. Criteria: ClinGen MHS ACMG Specifications V2. Collection method: curation. Allele origin: germline. Inheritance: Autosomal dominant inheritance.
Comment: This pathogenicity assessment is relevant only for malignant hyperthermia susceptibility (MHS) inherited in an autosomal dominant pattern. Variants in RYR1 can also cause other myopathies inherited in an autosomal dominant pattern or in an autosomal recessive pattern. Some of these disorders may predispose individuals to malignant hyperthermia. RYR1 variants may also contribute to a malignant hyperthermia reaction in combination with other genetic and non-genetic factors and the clinician needs to consider such factors in making management decisions. This sequence variant predicts a substitution of proline with arginine at codon 2366 of the RYR1 protein, p.(Pro2366Arg). This variant was not present in a large population database (gnomAD) at the time this variant was interpreted. This variant has been reported in two unrelated individuals who have a personal or family history of a malignant hyperthermia reaction without positive in vitro contracture test (IVCT) or caffeine halothane contracture test (CHCT) results, PS4_Supporting (PMID: 16732084, PMID:31559918). No functional studies were identified for this variant. This variant resides in a region of RYR1 considered to be a hotspot for pathogenic variants that contribute to MHS, PM1 (PMID: 21118704). A REVEL score >0.85 (0.88) supports a pathogenic status for this variant, PP3_Moderate. This variant has been classified as a Variant of Unknown Significance. Criteria implemented: PS4_Supporting, PM1, PP3_Moderate.

Mayo Clinic Laboratories, Mayo Clinic
Classification: Uncertain significance. Last evaluated: 2023-11-07. Review status: criteria provided, single submitter. Criteria: ACMG Guidelines, 2015. Collection method: clinical testing. Allele origin: germline. Observed: 1 variant allele. Not counted in ClinVar's aggregate classification.
Comment: PP3, PM2_moderate

PreventionGenetics, part of Exact Sciences
Classification: Uncertain significance. Last evaluated: 2017-09-27. Review status: criteria provided, single submitter. Criteria: ACMG Guidelines, 2015. Collection method: clinical testing. Allele origin: germline. Not counted in ClinVar's aggregate classification.

RYR1 database
No classification provided. Review status: no classification provided. Collection method: not provided. Allele origin: unknown. Not counted in ClinVar's aggregate classification.

Literature cited by the submitters: PubMed 16732084 (cited by Mayo Clinic Laboratories, Mayo Clinic); PubMed 16917943 (cited by Mayo Clinic Laboratories, Mayo Clinic); PubMed 25210889 (cited by Mayo Clinic Laboratories, Mayo Clinic); PubMed 31559918 (cited by Mayo Clinic Laboratories, Mayo Clinic).

NM_000540.3(RYR1):c.7097C>G (p.Pro2366Arg)

Gene: RYR1 (ryanodine receptor 1; plus strand). Cytogenetic location: 19q13.2.
Variant type: single nucleotide variant.
Coding change: c.7097C>G on transcript NM_000540.3 (MANE Select); coding-DNA position 7097, C replaced by G.
Protein change: p.Pro2366Arg; replaces proline 2366 with arginine.
Molecular consequence: missense variant.
Genome position (GRCh38, 1-based): chr19:38,499,704, C>G. VCF-style: chr19-38499704-C-G. GRCh37 (hg19) VCF-style: chr19-38990344-C-G.
Other names: NM_000540.2(RYR1):c.7097C>G; p.Pro2366Arg; c.7097C>G, p.Pro2366Arg (NM_001042723.2); short protein forms P2366R.
Identifiers: ClinVar variation 133186 (VCV000133186.6), dbSNP rs193922806, ClinGen allele CA024705.